The following is an entry in ClinVar:

NM_012301.4(MAGI2):c.2235C>T (p.Leu745=)

Gene: MAGI2 (membrane associated guanylate kinase, WW and PDZ domain containing 2; minus strand). Cytogenetic location: 7q21.11.
Variant type: single nucleotide variant.
Coding change: c.2235C>T on transcript NM_012301.4 (MANE Select); coding-DNA position 2235, C replaced by T.
Protein change: p.Leu745=; no amino-acid change (leucine 745 retained).
Molecular consequence: synonymous variant.
Genome position (GRCh38, 1-based): chr7:78,194,908, G>A on the plus strand (C>T on the coding strand, the complement: MAGI2 is on the minus strand). VCF-style: chr7-78194908-G-A. GRCh37 (hg19) VCF-style: chr7-77824225-G-A.
Other names: c.2235C>T, p.Leu745= (NM_001301128.2).
Identifiers: ClinVar variation 3056151 (VCV003056151.3), dbSNP rs745670401, ClinGen allele CA4313850.

ClinVar aggregate classification (germline): Likely benign. Review status: criteria provided, single submitter (1 of 4 stars). 2 submissions from 2 submitters: Likely benign (1). 1 of the submissions does not count toward it. Last evaluated 2024-11-22.

Conditions:
MAGI2-related disorder. Also called: MAGI2-related condition.

Allele frequency attached by ClinVar (database versions not stated): ExAC 0.00001; gnomAD 0.00001.
gnomAD v4.1: 14 of 1,609,810 alleles (0.00087%); highest among the groups gnomAD compares: Non-Finnish European, 0.0011%; no homozygotes.

Submissions (2):

Blueprint Genetics
Classification: Likely benign. Last evaluated: 2024-11-22. Review status: criteria provided, single submitter. Criteria: ACMG Guidelines, 2015. Collection method: clinical testing. Allele origin: germline.

PreventionGenetics, part of Exact Sciences
Classification: Likely benign for MAGI2-related condition. Last evaluated: 2019-04-29. Review status: no assertion criteria provided. Collection method: clinical testing. Allele origin: germline. Not counted in ClinVar's aggregate classification.
Comment: This variant is classified as likely benign based on ACMG/AMP sequence variant interpretation guidelines (Richards et al. 2015 PMID: 25741868, with internal and published modifications).